The following is an entry in ClinVar:

NM_001004334.4(GPR179):c.1990A>G (p.Ile664Val)

Gene: GPR179 (G protein-coupled receptor 179; minus strand). Cytogenetic location: 17q12.
Variant type: single nucleotide variant.
Coding change: c.1990A>G on transcript NM_001004334.4 (MANE Select); coding-DNA position 1990, A replaced by G.
Protein change: p.Ile664Val; replaces isoleucine 664 with valine.
Molecular consequence: missense variant.
Genome position (GRCh38, 1-based): chr17:38,333,298, T>C on the plus strand (A>G on the coding strand, the complement: GPR179 is on the minus strand). VCF-style: chr17-38333298-T-C. GRCh37 (hg19) VCF-style: chr17-36489181-T-C.
Other names: short protein forms I664V.
Identifiers: ClinVar variation 1466456 (VCV001466456.3), dbSNP rs2144266980, ClinGen allele CA398885245.

ClinVar aggregate classification (germline): Uncertain significance (1 of 4 stars; one submission).

gnomAD v4.1: 1 of 1,614,106 alleles (0.000062%); highest among the groups gnomAD compares: Non-Finnish European, 0.000085%; no homozygotes.

Submission:

Labcorp Genetics (formerly Invitae), Labcorp
Classification: Uncertain significance. Last evaluated: 2022-02-24. Review status: criteria provided, single submitter. Criteria: Invitae Variant Classification Sherloc (09022015). Collection method: clinical testing. Allele origin: germline.
Comment: This sequence change replaces isoleucine, which is neutral and non-polar, with valine, which is neutral and non-polar, at codon 664 of the GPR179 protein (p.Ile664Val). This variant is not present in population databases (gnomAD no frequency). This variant has not been reported in the literature in individuals affected with GPR179-related conditions. Algorithms developed to predict the effect of missense changes on protein structure and function output the following: SIFT: "Tolerated"; PolyPhen-2: "Benign"; Align-GVGD: "Class C0". The valine amino acid residue is found in multiple mammalian species, which suggests that this missense change does not adversely affect protein function. In summary, the available evidence is currently insufficient to determine the role of this variant in disease. Therefore, it has been classified as a Variant of Uncertain Significance.